The following is an entry in ClinVar:

ClinVar aggregate classification (germline): Likely pathogenic (1 of 4 stars; one submission).

Conditions:
Becker muscular dystrophy (BMD). Also called: MUSCULAR DYSTROPHY, PSEUDOHYPERTROPHIC PROGRESSIVE, BECKER TYPE; Becker Muscular Dystrophy (BMD). Identifiers: Orphanet 98895, MedGen C0917713, MONDO:0010311, OMIM 300376.

Submission:

3billion
Classification: Likely pathogenic for Becker muscular dystrophy. Last evaluated: 2025-09-02. Review status: criteria provided, single submitter. Criteria: ACMG Guidelines, 2015. Collection method: clinical testing. Allele origin: germline. Affected: yes.
Comment: The variant is not observed in the gnomAD v4.1.0 dataset. Predicted Consequence/Location: Intron variant Functional studies provide moderate evidence of the variant having a damaging effect on the gene or gene product (PMID: 27616544). In silico tools predict the variant to alter splicing and produce an abnormal transcript [SpliceAI: 0.85 (>=0.2, moderate evidence for spliceogenicity)]. The variant has been reported to be associated with DMD-related disorder (PMID: 27616544). Therefore, this variant is classified as Likely pathogenic according to the recommendation of ACMG/AMP guideline.

Literature cited by the submitters: PubMed 27616544.

NM_004006.3(DMD):c.1150-3C>G

Gene: DMD (dystrophin; minus strand). Cytogenetic location: Xp21.1.
Variant type: single nucleotide variant.
Coding change: c.1150-3C>G on transcript NM_004006.3 (MANE Select); 3 bases into the intron before coding-DNA position 1150, C replaced by G.
Molecular consequence: intron variant.
Genome position (GRCh38, 1-based): chrX:32,644,316, G>C on the plus strand (C>G on the coding strand, the complement: DMD is on the minus strand). VCF-style: chrX-32644316-G-C. GRCh37 (hg19) VCF-style: chrX-32662433-G-C.
Other names: c.1126-3C>G (NM_000109.4); c.1138-3C>G (NM_004009.3); c.781-3C>G (NM_004010.3).
Identifiers: ClinVar variation 4854224 (VCV004854224.1).
Genomic context (GRCh38, chrX:32,644,316, plus strand): 5'-CCAATTGTAGAATATTACCAACCCGGCCCTGATGGGCTGTCAAATCCATCATGTACCCCT[G>C]ACAAAGAAGGAAGTTAACAATTGTAATTAGAACTCTAGGTAAATCGGTGTGGTTTTGAGT-3'